The following continues an entry in ClinVar:

NM_000051.4(ATM):c.4148C>T (p.Ser1383Leu)

Gene: ATM. ClinVar aggregate classification (germline): Conflicting classifications of pathogenicity. Uncertain significance (16); Likely benign (3).

Submissions 8 to 26 of 26:

Quest Diagnostics Nichols Institute San Juan Capistrano
Classification: Uncertain significance. Last evaluated: 2025-08-26. Review status: criteria provided, single submitter. Criteria: Quest Diagnostics criteria. Collection method: clinical testing. Allele origin: unknown.
Comment: The ATM c.4148C>T (p.Ser1383Leu) variant has been reported in the published literature in individuals/families affected with breast cancer (PMIDs: 38874686 (2024), 35264596 (2022), 32885271 (2021), 31206626 (2019), 30306255 (2018), 28503720 (2017), 26976419 (2016), 19781682 (2009), 14695186 (2003), 11505391 (2001)), ovarian cancer (PMID: 30441849 (2018)), and various other cancers (PMIDs: 26689913 (2015), 26837699 (2016), 33436325 (2021), 35467778 (2022), 37536918 (2023)). In a large breast cancer association study, the variant was identified in individuals with breast cancer and in reportedly healthy individuals (PMID: 33471991 (2021), see also LOVD). One functional study suggested this variant possibly increased the chromosomal radiosensitivity of a breast cancer cell line (PMID: 15101044 (2004)). The frequency of this variant in the general population (Genome Aggregation Database) is uninformative in the assessment of its pathogenicity. Analysis of this variant using bioinformatics tools for the prediction of the effect of amino acid changes on protein structure and function yielded predictions that this variant is damaging. Based on the available information, we are unable to determine the clinical significance of this variant.

Catlab - Consorci Sanitari de Terrassa
Classification: Uncertain significance for Hereditary cancer-predisposing syndrome. Last evaluated: 2025-07-23. Review status: criteria provided, single submitter. Criteria: ClinGen HBOP ACMG Specifications ATM Version1_3. Collection method: clinical testing. Allele origin: germline.
Comment: Based on the currently available information, this variant is classified as Variant of Uncertain Significance according to ClinGen-ATM v1.3.0 guidelines. ACMG criteria: PP3.

Myriad Genetics, Inc.
Classification: Likely benign for Familial cancer of breast. Last evaluated: 2025-04-17. Review status: criteria provided, single submitter. Criteria: Myriad Autosomal Dominant, Autosomal Recessive and X-Linked Classification Criteria (2023). Collection method: clinical testing. Allele origin: unknown.
Comment: This variant is considered likely benign. This variant is strongly associated with less severe personal and family histories of cancer, typical for individuals without pathogenic variants in this gene [PMID: 25085752].

Center for Genomic Medicine, Rigshospitalet, Copenhagen University Hospital
Classification: Uncertain significance. Last evaluated: 2025-03-04. Review status: criteria provided, single submitter. Criteria: ACMG Guidelines, 2015. Collection method: clinical testing. Allele origin: germline.

Ambry Genetics
Classification: Uncertain significance for Hereditary cancer-predisposing syndrome. Last evaluated: 2025-02-10. Review status: criteria provided, single submitter. Criteria: Ambry Variant Classification Scheme 2023. Collection method: clinical testing. Allele origin: germline.
Comment: The p.S1383L variant (also known as c.4148C>T), located in coding exon 27 of the ATM gene, results from a C to T substitution at nucleotide position 4148. The serine at codon 1383 is replaced by leucine, an amino acid with dissimilar properties. This variant has been identified in individuals diagnosed with breast, ovarian and prostate cancer (Tavtigian S et al. Am. J. Hum. Genet. 2009 Oct;85:427-46; Tung N et al. J Clin Oncol, 2016 May;34:1460-8; Rummel SK et al. Breast Cancer Res Treat, 2017 Aug;164:593-601; Koczkowska M et al. Cancers (Basel), 2018 Nov;10:; Weitzel JN et al. Cancer, 2019 Aug;125:2829-2836; Karlsson Q et al. Eur Urol Oncol, 2021 Aug;4:570-579). This amino acid position is highly conserved in available vertebrate species. In addition, this alteration is predicted to be deleterious by in silico analysis. Based on the available evidence, the clinical significance of this alteration remains unclear.

Mendelics
Classification: Likely benign for Ataxia-telangiectasia syndrome. Last evaluated: 2024-04-09. Review status: criteria provided, single submitter. Criteria: ACMG Guidelines, 2015. Collection method: clinical testing. Allele origin: unknown.

Fulgent Genetics
Classification: Uncertain significance for Familial cancer of breast; Ataxia-telangiectasia syndrome. Last evaluated: 2024-03-11. Review status: criteria provided, single submitter. Criteria: ACMG Guidelines, 2015. Collection method: clinical testing. Allele origin: germline.

Baylor Genetics
Classification: Uncertain significance for Familial cancer of breast. Last evaluated: 2024-02-25. Review status: criteria provided, single submitter. Criteria: ACMG Guidelines, 2015. Collection method: clinical testing. Allele origin: unknown.

Clinical Genetics Laboratory, Skane University Hospital Lund
Classification: Uncertain significance. Last evaluated: 2023-07-24. Review status: criteria provided, single submitter. Criteria: ACMG Guidelines, 2015. Collection method: clinical testing. Allele origin: germline. Affected: yes.

Revvity Omics, Revvity
Classification: Uncertain significance for Ataxia-telangiectasia syndrome. Last evaluated: 2021-12-22. Review status: criteria provided, single submitter. Criteria: ACMG Guidelines, 2015. Collection method: clinical testing. Allele origin: germline.

Laboratorio de Genetica e Diagnostico Molecular, Hospital Israelita Albert Einstein
Classification: Uncertain significance. Last evaluated: 2020-01-20. Review status: criteria provided, single submitter. Criteria: ACMG Guidelines, 2015. Collection method: clinical testing. Allele origin: germline. Affected: yes.
Comment: ACMG classification criteria: PM2, PP3

Illumina Laboratory Services, Illumina
Classification: Uncertain significance for Ataxia-telangiectasia syndrome. Last evaluated: 2017-04-28. Review status: criteria provided, single submitter. Criteria: ICSL Variant Classification Criteria 13 December 2019. Collection method: clinical testing. Allele origin: germline.
Comment: This variant was observed as part of a predisposition screen in an ostensibly healthy population. A literature search was performed for the gene, cDNA change, and amino acid change (where applicable). Publications were found based on this search. However, the evidence from the literature, in combination with allele frequency data from public databases where available, was not sufficient to rule this variant in or out of causing disease. Therefore, this variant is classified as a variant of unknown significance.

Natera, Inc.
Classification: Uncertain significance for Ataxia-telangiectasia. Last evaluated: 2020-09-16. Review status: no assertion criteria provided. Collection method: clinical testing. Allele origin: germline. Not counted in ClinVar's aggregate classification.

Clinical Genetics DNA and cytogenetics Diagnostics Lab, Erasmus MC, Erasmus Medical Center
Classification: Uncertain significance. Review status: no assertion criteria provided. Collection method: clinical testing. Allele origin: germline. Affected: yes. Study: VKGL Data-share Consensus. Not counted in ClinVar's aggregate classification.

Clinical Genetics Laboratory, Department of Pathology, Netherlands Cancer Institute
Classification: Uncertain significance. Review status: no assertion criteria provided. Collection method: clinical testing. Allele origin: germline. Affected: yes. Study: VKGL Data-share Consensus. Not counted in ClinVar's aggregate classification.

Department of Pathology and Laboratory Medicine, Sinai Health System
Classification: Uncertain significance for Malignant tumor of breast. Review status: no assertion criteria provided. Collection method: clinical testing. Allele origin: unknown. Affected: yes. Study: The Canadian Open Genetics Repository (COGR). Not counted in ClinVar's aggregate classification.
Comment: The ATM p.Ser1383Leu variant was identified in 7 of 7698 proband chromosomes (frequency: 0.0009) from individuals or families with breast cancer or chronic lymphocytic leukemia and was not identified in 5276 control chromosomes from healthy individuals (Angele 2003, Gutierrez Enriquez 2004, Nadeu 2015, Tavtigian-2009, Teraoka 2001, Tung 2016). The variant was also identified in dbSNP (ID: rs141087784) as "With Uncertain significance allele", ClinVar (classified as uncertain significance by Invitae, GeneDx, Ambry Genetics and three other submitters), and LOVD 3.0 database (1x). The variant was identified in control databases in 11 of 277016 chromosomes at a frequency of 0.00004 (Genome Aggregation Database Feb 27, 2017). The variant was observed in the following populations: African in 1 of 24030 chromosomes (freq: 0.00004), Other in 2 of 6462 chromosomes (freq: 0.0003), Latino in 1 of 34406 chromosomes (freq: 0.00003), and European in 7 of 126544 chromosomes (freq: 0.00006); it was not observed in the Ashkenazi Jewish, East Asian, Finnish, or South Asian populations. A study using cell lines from breast cancer cases carrying the variant showed no difference in the constitutive ATM protein level after exposure to ionizing radiation (Angele 2003). The p.Ser1383 residue is conserved across mammals and other organisms, and 5 of 5 computational analyses (PolyPhen-2, SIFT, AlignGVGD, BLOSUM, MutationTaster) suggest that the variant may impact the protein; however, this information is not predictive enough to assume pathogenicity. The variant occurs outside of the splicing consensus sequence and in silico or computational prediction software programs (SpliceSiteFinder, MaxEntScan, NNSPLICE, GeneSplicer) do not predict a difference in splicing. In summary, based on the above information, the clinical significance of this variant cannot be determined with certainty at this time. This variant is classified as a variant of uncertain significance.

Diagnostic Laboratory, Department of Genetics, University Medical Center Groningen
Classification: Uncertain significance. Review status: no assertion criteria provided. Collection method: clinical testing. Allele origin: germline. Affected: yes. Study: VKGL Data-share Consensus. Not counted in ClinVar's aggregate classification.

Genome Diagnostics Laboratory, Amsterdam University Medical Center
Classification: Uncertain significance. Review status: no assertion criteria provided. Collection method: clinical testing. Allele origin: germline. Affected: yes. Study: VKGL Data-share Consensus. Not counted in ClinVar's aggregate classification.

Joint Genome Diagnostic Labs from Nijmegen and Maastricht, Radboudumc and MUMC+
Classification: Uncertain significance. Review status: no assertion criteria provided. Collection method: clinical testing. Allele origin: germline. Affected: yes. Study: VKGL Data-share Consensus. Not counted in ClinVar's aggregate classification.

Literature cited by the submitters: PubMed 11505391 (cited by 3 submitters); PubMed 15101044 (cited by 4 submitters); PubMed 19781682 (cited by 4 submitters); PubMed 26689913 (cited by Women's Health and Genetics/Laboratory Corporation of America, LabCorp and Color Diagnostics, LLC DBA Color Health); PubMed 20346647 (cited by 3 submitters); PubMed 26976419 (cited by 5 submitters); PubMed 14695186 (cited by 5 submitters); PubMed 28503720 (cited by 5 submitters); PubMed 26837699 (cited by Women's Health and Genetics/Laboratory Corporation of America, LabCorp and Color Diagnostics, LLC DBA Color Health); PubMed 30441849 (cited by 4 submitters); PubMed 30306255 (cited by 3 submitters); PubMed 30197789 (cited by Women's Health and Genetics/Laboratory Corporation of America, LabCorp); PubMed 31206626 (cited by 4 submitters); PubMed 33471991 (cited by 4 submitters); PubMed 34426522 (cited by 3 submitters); PubMed 34262154 (cited by 3 submitters); PubMed 35467778 (cited by 4 submitters); PubMed 38697030 (cited by Women's Health and Genetics/Laboratory Corporation of America, LabCorp); PubMed 21787400 (cited by Color Diagnostics, LLC DBA Color Health); PubMed 35264596 (cited by 3 submitters); PubMed 31214711 (cited by Athena Diagnostics and Quest Diagnostics Nichols Institute San Juan Capistrano); PubMed 32885271 (cited by Athena Diagnostics and Quest Diagnostics Nichols Institute San Juan Capistrano); PubMed 38874686 (cited by Athena Diagnostics and Quest Diagnostics Nichols Institute San Juan Capistrano); PubMed 28779002 (cited by Athena Diagnostics and Quest Diagnostics Nichols Institute San Juan Capistrano); PubMed 33436325 (cited by 3 submitters); PubMed 25085752 (cited by Myriad Genetics, Inc.).